The following is an entry in ClinVar:

ClinVar aggregate classification (germline): Pathogenic (1 of 4 stars; one submission).

Conditions:
Inborn genetic diseases. Identifiers: MedGen C0950123, MeSH D030342.

Submission:

Ambry Genetics
Classification: Pathogenic for Inborn genetic diseases. Last evaluated: 2026-08-04. Review status: criteria provided, single submitter. Criteria: Ambry Variant Classification Scheme 2023. Collection method: clinical testing. Allele origin: germline.
Comment: The c.1308delG (p.M436Ifs*9) alteration, located in exon 9 (coding exon 8) of the CTNNB1 gene, consists of a deletion of one nucleotide at position 1308, causing a translational frameshift with a predicted alternate stop codon after 9 amino acids. This variant is expected to result in loss of function by premature protein truncation or nonsense-mediated mRNA decay. This variant was not reported in population-based cohorts in the Genome Aggregation Database (gnomAD). Based on the available evidence, this alteration is classified as pathogenic.

NM_001904.4(CTNNB1):c.1308del (p.Met436fs)

Genes: CTNNB1 (catenin beta 1; plus strand), LOC126806659 (BRD4-independent group 4 enhancer GRCh37_chr3:41274918-41276117; plus strand). Cytogenetic location: 3p22.1.
Variant type: Deletion.
Coding change: c.1308del on transcript NM_001904.4 (MANE Select); coding-DNA position 1308, one base deleted (G; older notation c.1308delG).
Protein change: p.Met436fs; shifts the reading frame from methionine 436.
Molecular consequence: frameshift variant.
Genome position (GRCh38, 1-based): chr3:41,233,651, G deleted. VCF-style (leftmost placement, unchanged base first): chr3-41233650-TG-T. GRCh37 (hg19) VCF-style: chr3-41275141-TG-T.
Other names: c.1308del, p.Met436fs (NM_001098209.2, NM_001098210.2, NM_001438871.1 and 4 more transcripts); c.1287del, p.Met429fs (NM_001330729.2); short protein forms M429fs, M436fs.
Identifiers: ClinVar variation 5035031 (VCV005035031.1).